The following is an entry in ClinVar:

NM_004700.4(KCNQ4):c.829G>C (p.Gly277Arg)

Gene: KCNQ4 (potassium voltage-gated channel subfamily Q member 4; plus strand). Cytogenetic location: 1p34.2.
Variant type: single nucleotide variant.
Coding change: c.829G>C on transcript NM_004700.4 (MANE Select); coding-DNA position 829, G replaced by C.
Protein change: p.Gly277Arg; replaces glycine 277 with arginine.
Molecular consequence: missense variant.
Genome position (GRCh38, 1-based): chr1:40,819,467, G>C. VCF-style: chr1-40819467-G-C. GRCh37 (hg19) VCF-style: chr1-41285139-G-C.
Other names: c.829G>C, p.Gly277Arg (NM_172163.3); short protein forms G277R.
Identifiers: ClinVar variation 4856816 (VCV004856816.1).

ClinVar aggregate classification (germline): Likely pathogenic (1 of 4 stars; one submission).

Conditions:
Monogenic hearing loss.

Submission:

Genetics Laboratory, Great Ormond Street Hospital NHS Foundation Trust, North Thames Genomic Laboratory Hub
Classification: Likely pathogenic for Monogenic hearing loss. Last evaluated: 2026-04-20. Review status: criteria provided, single submitter. Criteria: ACGS Best Practice Guidelines for Variant Classification in Rare Disease 2024 v1.2. Collection method: clinical testing. Allele origin: germline. Affected: yes.
Comment: PS4_supporting, PM2_moderate, PP3_supporting, PM1_moderate